The following is an entry in ClinVar:

ClinVar aggregate classification (germline): Uncertain significance (1 of 4 stars; one submission).

Conditions:
Cardiovascular phenotype. Identifiers: MedGen CN230736.

Allele frequency attached by ClinVar (database versions not stated): gnomAD exomes below 0.00001; ExAC 0.00001.
gnomAD v4.1: 3 of 1,613,230 alleles (0.00019%); highest among the groups gnomAD compares: Non-Finnish European, 0.00025%; no homozygotes.

Submission:

Ambry Genetics
Classification: Uncertain significance for Cardiovascular phenotype. Last evaluated: 2017-10-12. Review status: criteria provided, single submitter. Criteria: Ambry Variant Classification Scheme 2023. Collection method: clinical testing. Allele origin: germline.
Comment: The p.C11508R variant (also known as c.34522T>C), located in coding exon 131 of the TTN gene, results from a T to C substitution at nucleotide position 34522. The cysteine at codon 11508 is replaced by arginine, an amino acid with highly dissimilar properties. This amino acid position is highly conserved in available vertebrate species. In addition, the in silico prediction for this alteration is inconclusive. Since supporting evidence is limited at this time, the clinical significance of this alteration remains unclear.

NM_001267550.2(TTN):c.61717T>C (p.Cys20573Arg)

Genes: TTN (titin; minus strand), TTN-AS1 (TTN antisense RNA 1; plus strand). Cytogenetic location: 2q31.2.
Variant type: single nucleotide variant.
Coding change: c.61717T>C on transcript NM_001267550.2 (MANE Select); coding-DNA position 61717, T replaced by C.
Protein change: p.Cys20573Arg; replaces cysteine 20573 with arginine.
Molecular consequence: missense variant.
Genome position (GRCh38, 1-based): chr2:178,590,008, A>G on the plus strand (T>C on the coding strand, the complement: TTN is on the minus strand). VCF-style: chr2-178590008-A-G. GRCh37 (hg19) VCF-style: chr2-179454735-A-G.
Other names: c.56794T>C, p.Cys18932Arg (NM_001256850.1); c.34522T>C, p.Cys11508Arg (NM_003319.4); c.54013T>C, p.Cys18005Arg (NM_133378.4); c.34897T>C, p.Cys11633Arg (NM_133432.3); c.35098T>C, p.Cys11700Arg (NM_133437.4); short protein forms C11508R, C20573R, C11633R, C18932R, C11700R, C18005R.
Identifiers: ClinVar variation 518724 (VCV000518724.5), dbSNP rs780691741, ClinGen allele CA1992326.